The following is an entry in ClinVar:

ClinVar aggregate classification (germline): Likely pathogenic (0 of 4 stars; one submission).

Conditions:
LOX-related disorder. Also called: LOX-related disorders; LOX-related condition.

Submission:

PreventionGenetics, part of Exact Sciences
Classification: Likely pathogenic for LOX-related condition. Last evaluated: 2024-05-01. Review status: no assertion criteria provided. Collection method: clinical testing. Allele origin: germline.
Comment: The LOX c.741-2A>T variant is predicted to disrupt the AG splice acceptor site and interfere with normal splicing. To our knowledge, this variant has not been reported in the literature or in a large population database, indicating this variant is rare. Variants that disrupt the consensus splice acceptor site in LOX are expected to be pathogenic. This variant is interpreted as likely pathogenic.

NM_002317.7(LOX):c.741-2A>T

Genes: LOX (lysyl oxidase; minus strand), SRFBP1 (serum response factor binding protein 1; plus strand). Cytogenetic location: 5q23.1.
Variant type: single nucleotide variant.
Coding change: c.741-2A>T on transcript NM_002317.7 (MANE Select); the canonical splice acceptor site of the intron before coding-DNA position 741, A replaced by T.
Molecular consequence: splice acceptor variant.
Genome position (GRCh38, 1-based): chr5:122,075,543, T>A on the plus strand (A>T on the coding strand, the complement: LOX is on the minus strand). VCF-style: chr5-122075543-T-A. GRCh37 (hg19) VCF-style: chr5-121411238-T-A.
Other names: c.51-2A>T (NM_001178102.2); c.-151-2A>T (NM_001317073.1).
Identifiers: ClinVar variation 3345307 (VCV003345307.1).